The following is an entry in ClinVar:

NM_032043.3(BRIP1):c.2648A>G (p.Glu883Gly)

Gene: BRIP1 (BRCA1 interacting DNA helicase 1; minus strand). Cytogenetic location: 17q23.2.
Variant type: single nucleotide variant.
Coding change: c.2648A>G on transcript NM_032043.3 (MANE Select); coding-DNA position 2648, A replaced by G.
Protein change: p.Glu883Gly; replaces glutamic acid 883 with glycine.
Molecular consequence: missense variant.
Genome position (GRCh38, 1-based): chr17:61,686,093, T>C on the plus strand (A>G on the coding strand, the complement: BRIP1 is on the minus strand). VCF-style: chr17-61686093-T-C. GRCh37 (hg19) VCF-style: chr17-59763454-T-C.
Other names: short protein forms E883G.
Identifiers: ClinVar variation 2951579 (VCV002951579.3), dbSNP rs1453990721, ClinGen allele CA400481867.
Genomic context (GRCh38, chr17:61,686,093, plus strand): 5'-TGTATATTGGTTCTGTCCTTTATGGATACATTAAGAACTTTTTGATGCTTTTTGGAAAAT[T>C]CAGCCAAGGATTCCAGTGCACTTTCAAAGGTTGAATGGTGCTGAATCTGCTGCCGTACCC-3'
Protein context (NP_114432.2, residues 873-893): TFESALESLA[Glu883Gly]FSKKHQKVLN

ClinVar aggregate classification (germline): Uncertain significance (1 of 4 stars; one submission).

Conditions:
Familial cancer of breast. Also called: BREAST CANCER, FAMILIAL; hereditary breast carcinoma; Hereditary breast cancer. Identifiers: Orphanet 227535, MedGen C0346153, MONDO:0016419, OMIM 114480. Disease mechanism: loss of function.
Fanconi anemia complementation group J. Also called: BRIP1-Related Fanconi Anemia. Identifiers: Orphanet 84, MedGen C1836860, MONDO:0012187, OMIM 609054.

Submission:

Labcorp Genetics (formerly Invitae), Labcorp
Classification: Uncertain significance for Familial cancer of breast; Fanconi anemia complementation group J. Last evaluated: 2023-09-06. Review status: criteria provided, single submitter. Criteria: Invitae Variant Classification Sherloc (09022015). Collection method: clinical testing. Allele origin: germline.
Comment: This sequence change replaces glutamic acid, which is acidic and polar, with glycine, which is neutral and non-polar, at codon 883 of the BRIP1 protein (p.Glu883Gly). This variant is not present in population databases (gnomAD no frequency). This variant has not been reported in the literature in individuals affected with BRIP1-related conditions. Advanced modeling of protein sequence and biophysical properties (such as structural, functional, and spatial information, amino acid conservation, physicochemical variation, residue mobility, and thermodynamic stability) performed at Invitae indicates that this missense variant is not expected to disrupt BRIP1 protein function. In summary, the available evidence is currently insufficient to determine the role of this variant in disease. Therefore, it has been classified as a Variant of Uncertain Significance.